The following is an entry in ClinVar:

ClinVar aggregate classification (germline): Likely pathogenic (1 of 4 stars; one submission).

Submission:

GeneDx
Classification: Likely pathogenic. Last evaluated: 2022-06-01. Review status: criteria provided, single submitter. Criteria: GeneDx Variant Classification Process June 2021. Collection method: clinical testing. Allele origin: germline. Affected: yes.
Comment: Not observed at significant frequency in large population cohorts (gnomAD); In silico analysis supports that this missense variant has a deleterious effect on protein structure/function; This variant is associated with the following publications: (PMID: 12219090)

NM_006147.4(IRF6):c.268A>G (p.Ser90Gly)

Gene: IRF6 (interferon regulatory factor 6; minus strand). Cytogenetic location: 1q32.2.
Variant type: single nucleotide variant.
Coding change: c.268A>G on transcript NM_006147.4 (MANE Select); coding-DNA position 268, A replaced by G.
Protein change: p.Ser90Gly; replaces serine 90 with glycine.
Molecular consequence: missense variant. On other transcripts: 5 prime UTR variant (1).
Genome position (GRCh38, 1-based): chr1:209,796,459, T>C on the plus strand (A>G on the coding strand, the complement: IRF6 is on the minus strand). VCF-style: chr1-209796459-T-C. GRCh37 (hg19) VCF-style: chr1-209969804-T-C.
Other names: c.-18A>G (NM_001206696.2); short protein forms S90G.
Identifiers: ClinVar variation 1704067 (VCV001704067.2), dbSNP rs2464683585, ClinGen allele CA344583211.